The following is an entry in ClinVar:

ClinVar aggregate classification (germline): Uncertain significance. Review status: criteria provided, multiple submitters, no conflicts (2 of 4 stars). 3 submissions from 3 submitters: Uncertain significance (3). Last evaluated 2024-06-10.

Conditions:
Acrocallosal syndrome (ACLS). Also called: HALLUX DUPLICATION, POSTAXIAL POLYDACTYLY, AND ABSENCE OF CORPUS CALLOSUM; Schinzel syndrome 1; Absence of corpus callosum with unusual facial appearance, mental deficiency, duplication of the halluces and polydactyly. Identifiers: Orphanet 36, MedGen C0796147, MONDO:0008708, OMIM 200990.
Multiple epiphyseal dysplasia, Al-Gazali type. Also called: Macrocephaly with multiple epiphyseal dysplasia and distinctive facies. Identifiers: Orphanet 166024, MedGen C1846722, MONDO:0011778, OMIM 607131.
Hydrolethalus syndrome 2 (HLS2). Identifiers: Orphanet 2189, MedGen C3279899, MONDO:0013585, OMIM 614120.

gnomAD v4.1: 27 of 1,551,268 alleles (0.0017%); highest among the groups gnomAD compares: Admixed American, 0.0039%; no homozygotes.

Submissions (3):

Labcorp Genetics (formerly Invitae), Labcorp
Classification: Uncertain significance for Acrocallosal syndrome. Last evaluated: 2024-06-10. Review status: criteria provided, single submitter. Criteria: Invitae Variant Classification Sherloc (09022015). Collection method: clinical testing. Allele origin: germline.
Comment: This sequence change replaces phenylalanine, which is neutral and non-polar, with valine, which is neutral and non-polar, at codon 83 of the KIF7 protein (p.Phe83Val). This variant is present in population databases (no rsID available, gnomAD 0.004%). This variant has not been reported in the literature in individuals affected with KIF7-related conditions. ClinVar contains an entry for this variant (Variation ID: 1306754). Advanced modeling of protein sequence and biophysical properties (such as structural, functional, and spatial information, amino acid conservation, physicochemical variation, residue mobility, and thermodynamic stability) performed at Invitae indicates that this missense variant is not expected to disrupt KIF7 protein function with a negative predictive value of 80%. In summary, the available evidence is currently insufficient to determine the role of this variant in disease. Therefore, it has been classified as a Variant of Uncertain Significance.

Fulgent Genetics
Classification: Uncertain significance for Acrocallosal syndrome; Multiple epiphyseal dysplasia, Al-Gazali type; Hydrolethalus syndrome 2. Last evaluated: 2024-01-02. Review status: criteria provided, single submitter. Criteria: ACMG Guidelines, 2015. Collection method: clinical testing. Allele origin: germline.

GeneDx
Classification: Uncertain significance. Last evaluated: 2019-07-03. Review status: criteria provided, single submitter. Criteria: GeneDx Variant Classification Process June 2021. Collection method: clinical testing. Allele origin: germline. Affected: yes.
Comment: Not observed at a significant frequency in large population cohorts (Lek et al., 2016); In silico analysis, which includes protein predictors and evolutionary conservation, supports a deleterious effect; Has not been previously published as pathogenic or benign to our knowledge

NM_198525.3(KIF7):c.247T>G (p.Phe83Val)

Gene: KIF7 (kinesin family member 7; minus strand). Cytogenetic location: 15q26.1.
Variant type: single nucleotide variant.
Coding change: c.247T>G on transcript NM_198525.3 (MANE Select); coding-DNA position 247, T replaced by G.
Protein change: p.Phe83Val; replaces phenylalanine 83 with valine.
Molecular consequence: missense variant.
Genome position (GRCh38, 1-based): chr15:89,652,684, A>C on the plus strand (T>G on the coding strand, the complement: KIF7 is on the minus strand). VCF-style: chr15-89652684-A-C. GRCh37 (hg19) VCF-style: chr15-90195915-A-C.
Other names: short protein forms F83V.
Identifiers: ClinVar variation 1306754 (VCV001306754.8), dbSNP rs770614646, ClinGen allele CA274584358.